The following is an entry in ClinVar:

NM_153460.4(IL17RC):c.586G>T (p.Gly196Trp)

Gene: IL17RC (interleukin 17 receptor C; plus strand). Cytogenetic location: 3p25.3.
Variant type: single nucleotide variant.
Coding change: c.586G>T on transcript NM_153460.4 (MANE Select); coding-DNA position 586, G replaced by T.
Protein change: p.Gly196Trp; replaces glycine 196 with tryptophan.
Molecular consequence: missense variant. On other transcripts: intron variant (4).
Genome position (GRCh38, 1-based): chr3:9,920,933, G>T. VCF-style: chr3-9920933-G-T. GRCh37 (hg19) VCF-style: chr3-9962617-G-T.
Other names: c.586G>T, p.Gly196Trp (NM_001203263.2, NM_001203264.2, NM_001367278.1); c.799G>T, p.Gly267Trp (NM_153461.4); c.577+331G>T (NM_032732.6, NM_001367280.1, NM_001203265.2); c.502+331G>T (NM_001367279.1); short protein forms G267W, G196W.
Identifiers: ClinVar variation 2396437 (VCV002396437.5), dbSNP rs764973726, ClinGen allele CA2246881.

ClinVar aggregate classification (germline): Uncertain significance. Review status: criteria provided, multiple submitters, no conflicts (2 of 4 stars). 2 submissions from 2 submitters: Uncertain significance (2). Last evaluated 2023-01-23.

Conditions:
Candidiasis, familial, 9 (CANDF9). Identifiers: Orphanet 1334, MedGen C4225324, MONDO:0014642, OMIM 616445.

Allele frequency attached by ClinVar (database versions not stated): ExAC 0.00001; gnomAD 0.00001; TOPMed 0.00001; gnomAD exomes 0.00002.
gnomAD v4.1: 25 of 1,607,426 alleles (0.0016%); highest among the groups gnomAD compares: Middle Eastern, 0.017%; no homozygotes.

Submissions (2):

Labcorp Genetics (formerly Invitae), Labcorp
Classification: Uncertain significance for Candidiasis, familial, 9. Last evaluated: 2023-01-23. Review status: criteria provided, single submitter. Criteria: Invitae Variant Classification Sherloc (09022015). Collection method: clinical testing. Allele origin: germline.
Comment: In summary, the available evidence is currently insufficient to determine the role of this variant in disease. Therefore, it has been classified as a Variant of Uncertain Significance. Algorithms developed to predict the effect of sequence changes on RNA splicing suggest that this variant may create or strengthen a splice site. Algorithms developed to predict the effect of missense changes on protein structure and function are either unavailable or do not agree on the potential impact of this missense change (SIFT: "Deleterious"; PolyPhen-2: "Benign"; Align-GVGD: "Class C0"). This variant has not been reported in the literature in individuals affected with IL17RC-related conditions. The frequency data for this variant in the population databases is considered unreliable, as metrics indicate poor data quality at this position in the gnomAD database. This sequence change replaces glycine, which is neutral and non-polar, with tryptophan, which is neutral and slightly polar, at codon 267 of the IL17RC protein (p.Gly267Trp).

Ambry Genetics
Classification: Uncertain significance. Last evaluated: 2022-09-06. Review status: criteria provided, single submitter. Criteria: Ambry Variant Classification Scheme 2023. Collection method: clinical testing. Allele origin: germline.